The following is an entry in ClinVar:

NM_001267550.2(TTN):c.102125T>C (p.Ile34042Thr)

Genes: TTN (titin; minus strand), TTN-AS1 (TTN antisense RNA 1; plus strand). Cytogenetic location: 2q31.2.
Variant type: single nucleotide variant.
Coding change: c.102125T>C on transcript NM_001267550.2 (MANE Select); coding-DNA position 102125, T replaced by C.
Protein change: p.Ile34042Thr; replaces isoleucine 34042 with threonine.
Molecular consequence: missense variant.
Genome position (GRCh38, 1-based): chr2:178,534,490, A>G on the plus strand (T>C on the coding strand, the complement: TTN is on the minus strand). VCF-style: chr2-178534490-A-G. GRCh37 (hg19) VCF-style: chr2-179399217-A-G.
Other names: c.97202T>C, p.Ile32401Thr (NM_001256850.1); c.74930T>C, p.Ile24977Thr (NM_003319.4); c.94421T>C, p.Ile31474Thr (NM_133378.4); c.75305T>C, p.Ile25102Thr (NM_133432.3); c.75506T>C, p.Ile25169Thr (NM_133437.4); short protein forms I24977T, I25102T, I25169T, I31474T, I32401T, I34042T.
Identifiers: ClinVar variation 1020625 (VCV001020625.11), dbSNP rs373173599, ClinGen allele CA1985808.
Genomic context (GRCh38, chr2:178,534,490, plus strand): 5'-ATGCGAGATTTCCTCTCTTTCACTAACAACCGGTCAACAAAATCCATGGCTTCAATGCTA[A>G]TCTCTTTGAATGCTTCCTCATCGAAAGTATATTCAGCATTCATGATATTCTCAATGATCT-3'
Protein context (NP_001254479.2, residues 34032-34052): YTFDEEAFKE[Ile34042Thr]SIEAMDFVDR

ClinVar aggregate classification (germline): Uncertain significance. Review status: criteria provided, multiple submitters, no conflicts (2 of 4 stars). 4 submissions from 4 submitters: Uncertain significance (4). Last evaluated 2026-02-19.

Conditions:
TTN-related disorder. Also called: TTN-related condition; TTN-related disease; TTN-related disorders.
Dilated cardiomyopathy 1G (CMD1G). Identifiers: Orphanet 154, MedGen C1858763, MONDO:0011400, OMIM 604145.
Autosomal recessive limb-girdle muscular dystrophy type 2J (LGMDR10). Also called: Limb-girdle muscular dystrophy, type 2J; MUSCULAR DYSTROPHY, LIMB-GIRDLE, AUTOSOMAL RECESSIVE 10. Identifiers: Orphanet 140922, MedGen C1837342, MONDO:0012127, OMIM 608807.
Hypertrophic cardiomyopathy 9. Also called: Familial hypertrophic cardiomyopathy 9. Identifiers: MedGen C1861065, MONDO:0013412, OMIM 613765.
Early-onset myopathy with fatal cardiomyopathy (CMYO5). Also called: Salih Myopathy; CONGENITAL MYOPATHY 5 WITH CARDIOMYOPATHY. Identifiers: Orphanet 289377, MedGen C2673677, MONDO:0012714, OMIM 611705. Disease mechanism: loss of function.
Myopathy, myofibrillar, 9, with early respiratory failure (MFM9). Also called: MYOPATHY, PROXIMAL, WITH EARLY RESPIRATORY MUSCLE INVOLVEMENT; EDSTROM MYOPATHY; Hereditary myopathy with early respiratory failure; Myopathy, distal, with early respiratory failure, autosomal dominant. Identifiers: Orphanet 178464, Orphanet 34521, MedGen C1863599, MONDO:0011362, OMIM 603689.
Tibial muscular dystrophy (TMD). Also called: Tibial muscular dystrophy, tardive; UDD MYOPATHY; Udd Distal Myopathy – Tibial Muscular Dystrophy. Identifiers: Orphanet 609, MedGen C1838244, MONDO:0010870, OMIM 600334.

Allele frequency attached by ClinVar (database versions not stated): gnomAD exomes below 0.00001 and 0.00001; ExAC 0.00001; TOPMed 0.00002; gnomAD 0.00003; ESP Exome Variant Server 0.00008.
gnomAD v4.1: 13 of 1,613,660 alleles (0.00081%); highest among the groups gnomAD compares: African/African-American, 0.011%; no homozygotes.

Submissions (4):

PreventionGenetics, part of Exact Sciences
Classification: Uncertain significance for TTN-related condition. Last evaluated: 2026-02-19. Review status: criteria provided, single submitter. Criteria: ACMG Guidelines, 2015. Collection method: clinical testing. Allele origin: germline.
Comment: The TTN c.102125T>C variant is predicted to result in the amino acid substitution p.Ile34042Thr. To our knowledge, this variant has not been reported in the literature. This variant is reported in 0.0041% of alleles in individuals of African descent in gnomAD. At this time, the clinical significance of this variant is uncertain due to the absence of conclusive functional and genetic evidence.

Women's Health and Genetics/Laboratory Corporation of America, LabCorp
Classification: Uncertain significance. Last evaluated: 2026-02-07. Review status: criteria provided, single submitter. Criteria: LabCorp Variant Classification Summary - May 2015. Collection method: clinical testing. Allele origin: germline.

Labcorp Genetics (formerly Invitae), Labcorp
Classification: Uncertain significance for Dilated cardiomyopathy 1G; Autosomal recessive limb-girdle muscular dystrophy type 2J. Last evaluated: 2026-01-07. Review status: criteria provided, single submitter. Criteria: Invitae Variant Classification Sherloc (09022015). Collection method: clinical testing. Allele origin: germline.
Comment: This sequence change replaces isoleucine, which is neutral and non-polar, with threonine, which is neutral and polar, at codon 34042 of the TTN protein (p.Ile34042Thr). This variant is present in population databases (rs373173599, gnomAD 0.004%). This variant has not been reported in the literature in individuals affected with TTN-related conditions. ClinVar contains an entry for this variant (Variation ID: 1020625). Experimental studies and prediction algorithms are not available or were not evaluated, and the functional significance of this variant is currently unknown. This variant is located in the M band of TTN (PMID: 25589632). Non-truncating variants in this region may be relevant for neuromuscular disorders, but have not been definitively shown to cause cardiomyopathy (PMID: 23975875). In summary, the available evidence is currently insufficient to determine the role of this variant in disease. Therefore, it has been classified as a Variant of Uncertain Significance.

Fulgent Genetics
Classification: Uncertain significance for Tibial muscular dystrophy; Myopathy, myofibrillar, 9, with early respiratory failure; Dilated cardiomyopathy 1G; Autosomal recessive limb-girdle muscular dystrophy type 2J; Early-onset myopathy with fatal cardiomyopathy; Hypertrophic cardiomyopathy 9. Last evaluated: 2021-09-24. Review status: criteria provided, single submitter. Criteria: ACMG Guidelines, 2015. Collection method: clinical testing. Allele origin: unknown.

Literature cited by the submitters: PubMed 25589632 (cited by Labcorp Genetics (formerly Invitae), Labcorp); PubMed 23975875 (cited by Labcorp Genetics (formerly Invitae), Labcorp).